The following is an entry in ClinVar:

NM_000487.6(ARSA):c.32T>C (p.Leu11Pro)

Gene: ARSA (arylsulfatase A; minus strand). Cytogenetic location: 22q13.33.
Variant type: single nucleotide variant.
Coding change: c.32T>C on transcript NM_000487.6 (MANE Select); coding-DNA position 32, T replaced by C.
Protein change: p.Leu11Pro; replaces leucine 11 with proline.
Molecular consequence: missense variant. On other transcripts: intron variant (2).
Genome position (GRCh38, 1-based): chr22:50,627,748, A>G on the plus strand (T>C on the coding strand, the complement: ARSA is on the minus strand). VCF-style: chr22-50627748-A-G. GRCh37 (hg19) VCF-style: chr22-51066176-A-G.
Other names: c.32T>C, p.Leu11Pro (NM_001085425.3, NM_001085426.3, NM_001085427.3); c.-35+243T>C (NM_001362782.2); c.-35+198T>C (NM_001085428.3); short protein forms L11P.
Identifiers: ClinVar variation 5003600 (VCV005003600.1).
Genomic context (GRCh38, chr22:50,627,748, plus strand): 5'-TCGGCAAAGATCAGCACGATGTTGGGCGGACGGGCAACGGCCAGGCCAGCAGCCAGGGCC[A>G]GGAGGAGGGACCGCGGTGCCCCCATGGACATGGGACCGAGGGGTCTGTCCCAAGAGAGGG-3'
Protein context (NP_000478.3, residues 1-21): MSMGAPRSLL[Leu11Pro]ALAAGLAVAR

ClinVar aggregate classification (germline): Uncertain significance (1 of 4 stars; one submission).

Conditions:
Metachromatic leukodystrophy (MLD). Also called: SULFATIDE LIPIDOSIS; ARSA DEFICIENCY; CEREBROSIDE SULFATASE DEFICIENCY; METACHROMATIC LEUKOENCEPHALOPATHY; Cerebral sclerosis diffuse metachromatic form; Arylsulfatase A Deficiency. Identifiers: Orphanet 512, MedGen C0023522, MONDO:0018868, OMIM 250100.

Submission:

Myriad Genetics, Inc.
Classification: Uncertain significance for Metachromatic leukodystrophy. Last evaluated: 2025-12-29. Review status: criteria provided, single submitter. Criteria: Myriad Autosomal Dominant, Autosomal Recessive and X-Linked Classification Criteria (2023). Collection method: clinical testing. Allele origin: unknown.
Comment: NM_000487.5(ARSA):c.32T>C(L11P) is a missense variant classified as a variant of uncertain significance in the context of metachromatic leukodystrophy. L11P has been observed in a case with relevant disease (PMID: 30057904). Relevant functional assessments of this variant are not available in the literature. L11P has been observed in referenced population frequency databases. In summary, there is insufficient evidence to classify NM_000487.5(ARSA):c.32T>C(L11P) as pathogenic or benign. Please note: this variant was assessed in the context of healthy population screening.

Literature cited by the submitters: PubMed 30057904.